The following is an entry in ClinVar:

NM_182914.3(SYNE2):c.14196C>G (p.Ser4732Arg)

Gene: SYNE2 (spectrin repeat containing nuclear envelope protein 2; plus strand). Cytogenetic location: 14q23.2.
Variant type: single nucleotide variant.
Coding change: c.14196C>G on transcript NM_182914.3 (MANE Select); coding-DNA position 14196, C replaced by G.
Protein change: p.Ser4732Arg; replaces serine 4732 with arginine.
Molecular consequence: missense variant.
Genome position (GRCh38, 1-based): chr14:64,130,104, C>G. VCF-style: chr14-64130104-C-G. GRCh37 (hg19) VCF-style: chr14-64596822-C-G.
Other names: c.14196C>G, p.Ser4732Arg (NM_015180.6); short protein forms S4732R.
Identifiers: ClinVar variation 470934 (VCV000470934.5), dbSNP rs749317592, ClinGen allele CA7222713.

ClinVar aggregate classification (germline): Uncertain significance (1 of 4 stars; one submission).

Conditions:
Emery-Dreifuss muscular dystrophy 5, autosomal dominant (EDMD5). Also called: EMERY-DREIFUSS MUSCULAR DYSTROPHY 5. Identifiers: Orphanet 261, MedGen C2751805, MONDO:0013072, OMIM 612999.

Allele frequency attached by ClinVar (database versions not stated): ExAC 0.00001; gnomAD 0.00001; TOPMed 0.00001.
gnomAD v4.1: 9 of 1,614,178 alleles (0.00056%); highest among the groups gnomAD compares: Admixed American, 0.0017%; no homozygotes.

Submission:

Labcorp Genetics (formerly Invitae), Labcorp
Classification: Uncertain significance for Emery-Dreifuss muscular dystrophy 5, autosomal dominant. Last evaluated: 2023-02-17. Review status: criteria provided, single submitter. Criteria: Invitae Variant Classification Sherloc (09022015). Collection method: clinical testing. Allele origin: germline.
Comment: This sequence change replaces serine, which is neutral and polar, with arginine, which is basic and polar, at codon 4732 of the SYNE2 protein (p.Ser4732Arg). This variant is present in population databases (rs749317592, gnomAD 0.007%). This variant has not been reported in the literature in individuals affected with SYNE2-related conditions. ClinVar contains an entry for this variant (Variation ID: 470934). An algorithm developed to predict the effect of missense changes on protein structure and function (PolyPhen-2) suggests that this variant is likely to be disruptive. In summary, the available evidence is currently insufficient to determine the role of this variant in disease. Therefore, it has been classified as a Variant of Uncertain Significance.